The following is an entry in ClinVar:

NM_015910.7(WDPCP):c.1671A>G (p.Pro557=)

Gene: WDPCP (WD repeat containing planar cell polarity effector; minus strand). Cytogenetic location: 2p15.
Variant type: single nucleotide variant.
Coding change: c.1671A>G on transcript NM_015910.7 (MANE Select); coding-DNA position 1671, A replaced by G.
Protein change: p.Pro557=; no amino-acid change (proline 557 retained).
Molecular consequence: synonymous variant. On other transcripts: non-coding transcript variant (3).
Genome position (GRCh38, 1-based): chr2:63,378,463, T>C on the plus strand (A>G on the coding strand, the complement: WDPCP is on the minus strand). VCF-style: chr2-63378463-T-C. GRCh37 (hg19) VCF-style: chr2-63605598-T-C.
Other names: c.1194A>G, p.Pro398= (NM_001042692.3); c.1599A>G, p.Pro533= (NM_001354044.2); c.1671A>G, p.Pro557= (NM_001354045.2); c.1671A>G (NM_015910.5).
Identifiers: ClinVar variation 1571398 (VCV001571398.10), dbSNP rs202162023, ClinGen allele CA1682158.

ClinVar aggregate classification (germline): Likely benign. Review status: criteria provided, single submitter (1 of 4 stars). 2 submissions from 2 submitters: Likely benign (1). 1 of the submissions does not count toward it. Last evaluated 2024-09-04.

Conditions:
Bardet-Biedl syndrome (BBS). Identifiers: Orphanet 110, MedGen C0752166, MONDO:0015229.
WDPCP-related disorder. Also called: WDPCP-related condition.

Allele frequency attached by ClinVar (database versions not stated): gnomAD exomes 0.00001; ExAC 0.00002; gnomAD 0.00002 and 0.00004; TOPMed 0.00003; 1000 Genomes Project 30x 0.00016; 1000 Genomes Project 0.00020.
gnomAD v4.1: 22 of 1,613,288 alleles (0.0014%); highest among the groups gnomAD compares: Middle Eastern, 0.017%; no homozygotes.

Submissions (2):

Labcorp Genetics (formerly Invitae), Labcorp
Classification: Likely benign for Bardet-Biedl syndrome. Last evaluated: 2024-09-04. Review status: criteria provided, single submitter. Criteria: Invitae Variant Classification Sherloc (09022015). Collection method: clinical testing. Allele origin: germline.

PreventionGenetics, part of Exact Sciences
Classification: Likely benign for WDPCP-related condition. Last evaluated: 2022-01-04. Review status: no assertion criteria provided. Collection method: clinical testing. Allele origin: germline. Not counted in ClinVar's aggregate classification.
Comment: This variant is classified as likely benign based on ACMG/AMP sequence variant interpretation guidelines (Richards et al. 2015 PMID: 25741868, with internal and published modifications).